The following is an entry in ClinVar:

NM_004526.4(MCM2):c.1429-20G>A

Gene: MCM2 (minichromosome maintenance complex component 2; plus strand). Cytogenetic location: 3q21.3.
Variant type: single nucleotide variant.
Coding change: c.1429-20G>A on transcript NM_004526.4 (MANE Select); 20 bases into the intron before coding-DNA position 1429, G replaced by A.
Molecular consequence: intron variant.
Genome position (GRCh38, 1-based): chr3:127,615,842, G>A. VCF-style: chr3-127615842-G-A. GRCh37 (hg19) VCF-style: chr3-127334685-G-A.
Identifiers: ClinVar variation 3613096 (VCV003613096.2).

ClinVar aggregate classification (germline): Uncertain significance (1 of 4 stars; one submission).

gnomAD v4.1: 13 of 1,579,356 alleles (0.00082%); highest among the groups gnomAD compares: South Asian, 0.0066%; no homozygotes.

Submission:

Labcorp Genetics (formerly Invitae), Labcorp
Classification: Uncertain significance. Last evaluated: 2024-12-15. Review status: criteria provided, single submitter. Criteria: Invitae Variant Classification Sherloc (09022015). Collection method: clinical testing. Allele origin: germline.
Comment: This sequence change falls in intron 8 of the MCM2 gene. It does not directly change the encoded amino acid sequence of the MCM2 protein. This variant is present in population databases (rs777340253, gnomAD 0.007%). This variant has not been reported in the literature in individuals affected with MCM2-related conditions. Algorithms developed to predict the effect of sequence changes on RNA splicing suggest that this variant may create or strengthen a splice site. In summary, the available evidence is currently insufficient to determine the role of this variant in disease. Therefore, it has been classified as a Variant of Uncertain Significance.